The following is an entry in ClinVar:

ClinVar aggregate classification (germline): Uncertain significance. Review status: criteria provided, multiple submitters, no conflicts (2 of 4 stars). 2 submissions from 2 submitters: Uncertain significance (2). Last evaluated 2023-08-29.

Conditions:
Renal cell carcinoma. Identifiers: Orphanet 217071, MedGen C0007134, MeSH D002292, MONDO:0005086, HP:0005584.
Hereditary cancer-predisposing syndrome. Also called: Tumor predisposition; Neoplastic Syndromes, Hereditary; Hereditary neoplastic syndrome; Hereditary Cancer Syndrome. Identifiers: Orphanet 140162, MedGen C0027672, MeSH D009386, MONDO:0015356.

Submissions (2):

Ambry Genetics
Classification: Uncertain significance for Hereditary cancer-predisposing syndrome. Last evaluated: 2023-08-29. Review status: criteria provided, single submitter. Criteria: Ambry Variant Classification Scheme 2023. Collection method: clinical testing. Allele origin: germline.
Comment: The p.K930N variant (also known as c.2790G>C), located in coding exon 12 of the MET gene, results from a G to C substitution at nucleotide position 2790. The lysine at codon 930 is replaced by asparagine, an amino acid with similar properties. This amino acid position is conserved. In addition, this alteration is predicted to be tolerated by in silico analysis. Since supporting evidence is limited at this time, the clinical significance of this alteration remains unclear.

Labcorp Genetics (formerly Invitae), Labcorp
Classification: Uncertain significance for Renal cell carcinoma. Last evaluated: 2020-03-03. Review status: criteria provided, single submitter. Criteria: Invitae Variant Classification Sherloc (09022015). Collection method: clinical testing. Allele origin: germline.
Comment: This sequence change replaces lysine with asparagine at codon 930 of the MET protein (p.Lys930Asn). The lysine residue is moderately conserved and there is a moderate physicochemical difference between lysine and asparagine. In summary, the available evidence is currently insufficient to determine the role of this variant in disease. Therefore, it has been classified as a Variant of Uncertain Significance. Algorithms developed to predict the effect of missense changes on protein structure and function are either unavailable or do not agree on the potential impact of this missense change (SIFT: "Tolerated"; PolyPhen-2: "Probably Damaging"; Align-GVGD: "Class C0"). This variant has not been reported in the literature in individuals with MET-related conditions. This variant is not present in population databases (ExAC no frequency).

NM_000245.4(MET):c.2736G>C (p.Lys912Asn)

Gene: MET (MET proto-oncogene, receptor tyrosine kinase; plus strand). Cytogenetic location: 7q31.2.
Variant type: single nucleotide variant.
Coding change: c.2736G>C on transcript NM_000245.4 (MANE Select); coding-DNA position 2736, G replaced by C.
Protein change: p.Lys912Asn; replaces lysine 912 with asparagine.
Molecular consequence: missense variant.
Genome position (GRCh38, 1-based): chr7:116,771,503, G>C. VCF-style: chr7-116771503-G-C. GRCh37 (hg19) VCF-style: chr7-116411557-G-C.
Other names: c.2790G>C (NM_001127500.1); c.2790G>C, p.Lys930Asn (NM_001127500.3); c.1446G>C, p.Lys482Asn (NM_001324402.2); short protein forms K482N, K912N, K930N.
Identifiers: ClinVar variation 1020441 (VCV001020441.10), dbSNP rs1794830011, ClinGen allele CA368986226.